The following is an entry in ClinVar:

NM_033380.3(COL4A5):c.3310G>T (p.Gly1104Cys)

Gene: COL4A5 (collagen type IV alpha 5 chain; plus strand). Cytogenetic location: Xq22.3.
Variant type: single nucleotide variant.
Coding change: c.3310G>T on transcript NM_033380.3 (MANE Select); coding-DNA position 3310, G replaced by T.
Protein change: p.Gly1104Cys; replaces glycine 1104 with cysteine.
Molecular consequence: missense variant.
Genome position (GRCh38, 1-based): chrX:108,655,394, G>T. VCF-style: chrX-108655394-G-T. GRCh37 (hg19) VCF-style: chrX-107898624-G-T.
Other names: c.3310G>T, p.Gly1104Cys (NM_000495.5); c.3310G>T (NM_000495.4); short protein forms G1104C.
Identifiers: ClinVar variation 562329 (VCV000562329.5), dbSNP rs1569504072, ClinGen allele CA413857424.

ClinVar aggregate classification (germline): Likely pathogenic. Review status: criteria provided, multiple submitters, no conflicts (2 of 4 stars). 3 submissions from 3 submitters: Likely pathogenic (2). 1 of the submissions does not count toward it. Last evaluated 2024-04-25.

Conditions:
X-linked Alport syndrome (ATS1). Also called: COL4A5-Related Nephropathy; NEPHROPATHY AND DEAFNESS, X-LINKED. Identifiers: Orphanet 63, Orphanet 88917, MedGen C4746986, MONDO:0010520, OMIM 301050.

Submissions (3):

Labcorp Genetics (formerly Invitae), Labcorp
Classification: Likely pathogenic. Last evaluated: 2024-04-25. Review status: criteria provided, single submitter. Criteria: Invitae Variant Classification Sherloc (09022015). Collection method: clinical testing. Allele origin: germline.
Comment: This sequence change replaces glycine, which is neutral and non-polar, with cysteine, which is neutral and slightly polar, at codon 1104 of the COL4A5 protein (p.Gly1104Cys). This variant is not present in population databases (gnomAD no frequency). This missense change has been observed in individual(s) with clinical features of Alport syndrome (PMID: 29204651, 30586318; Invitae). ClinVar contains an entry for this variant (Variation ID: 562329). Advanced modeling of protein sequence and biophysical properties (such as structural, functional, and spatial information, amino acid conservation, physicochemical variation, residue mobility, and thermodynamic stability) performed at Invitae indicates that this missense variant is expected to disrupt COL4A5 protein function with a positive predictive value of 95%. This variant disrupts the triple helix domain of COL4A5. Glycine residues within the Gly-Xaa-Yaa repeats of the triple helix domain are required for the structure and stability of fibrillar collagens (PMID: 7695699, 8218237, 19344236). In COL4A5, missense variants at these glycine residues are significantly enriched in individuals with disease (PMID: 23720012, 27627812) compared to the general population (ExAC). This variant disrupts the p.Gly1104 amino acid residue in COL4A5. Other variant(s) that disrupt this residue have been observed in individuals with COL4A5-related conditions (PMID: 8648925), which suggests that this may be a clinically significant amino acid residue. In summary, the currently available evidence indicates that the variant is pathogenic, but additional data are needed to prove that conclusively. Therefore, this variant has been classified as Likely Pathogenic.

Clinical Genetics Service, Universitary Hospital 12 de Octubre
Classification: Likely pathogenic for X-linked Alport syndrome. Review status: criteria provided, single submitter. Criteria: ACMG Guidelines, 2015. Collection method: clinical testing. Allele origin: germline. Affected: yes.

Gharavi Laboratory, Columbia University
Classification: Likely pathogenic. Last evaluated: 2018-09-16. Review status: no assertion criteria provided. Criteria: ACMG Guidelines, 2015. Collection method: research. Allele origin: germline. Affected: yes. Not counted in ClinVar's aggregate classification.

Literature cited by the submitters: PubMed 29204651 (cited by Labcorp Genetics (formerly Invitae), Labcorp); PubMed 30586318 (cited by Labcorp Genetics (formerly Invitae), Labcorp); PubMed 7695699 (cited by Labcorp Genetics (formerly Invitae), Labcorp); PubMed 8218237 (cited by Labcorp Genetics (formerly Invitae), Labcorp); PubMed 19344236 (cited by Labcorp Genetics (formerly Invitae), Labcorp); PubMed 23720012 (cited by Labcorp Genetics (formerly Invitae), Labcorp); PubMed 27627812 (cited by Labcorp Genetics (formerly Invitae), Labcorp); PubMed 8648925 (cited by Labcorp Genetics (formerly Invitae), Labcorp).